The following is an entry in ClinVar:

ClinVar aggregate classification (germline): Likely benign. Review status: criteria provided, multiple submitters, no conflicts (2 of 4 stars). 2 submissions from 2 submitters: Likely benign (2). Last evaluated 2026-01-15.

Conditions:
TTC21B-related disorder. Also called: TTC21B-related condition; TTC21B-related disorders.

Allele frequency attached by ClinVar (database versions not stated): gnomAD exomes below 0.00001.

Submissions (2):

PreventionGenetics, part of Exact Sciences
Classification: Likely benign for TTC21B-related condition. Last evaluated: 2026-01-15. Review status: criteria provided, single submitter. Criteria: ACMG Guidelines, 2015. Collection method: clinical testing. Allele origin: germline.
Comment: This variant is classified as likely benign based on ACMG/AMP sequence variant interpretation guidelines (Richards et al. 2015 PMID: 25741868, with internal and published modifications).

Labcorp Genetics (formerly Invitae), Labcorp
Classification: Likely benign. Last evaluated: 2017-12-12. Review status: criteria provided, single submitter. Criteria: Invitae Variant Classification Sherloc (09022015). Collection method: clinical testing. Allele origin: germline.

NM_024753.5(TTC21B):c.263-10C>T

Genes: TTC21B (tetratricopeptide repeat domain 21B; minus strand), TTC21B-AS1 (TTC21B antisense RNA 1; plus strand). Cytogenetic location: 2q24.3.
Variant type: single nucleotide variant.
Coding change: c.263-10C>T on transcript NM_024753.5 (MANE Select); 10 bases into the intron before coding-DNA position 263, C replaced by T.
Molecular consequence: intron variant.
Genome position (GRCh38, 1-based): chr2:165,945,700, G>A on the plus strand (C>T on the coding strand, the complement: TTC21B is on the minus strand). VCF-style: chr2-165945700-G-A. GRCh37 (hg19) VCF-style: chr2-166802210-G-A.
Identifiers: ClinVar variation 730253 (VCV000730253.4), dbSNP rs1574143267, ClinGen allele CA915942883.